The following is an entry in ClinVar:

ClinVar aggregate classification (germline): Uncertain significance (1 of 4 stars; one submission).

Conditions:
Familial hypercholesterolemia. Also called: Familial hypercholesterolaemia. Identifiers: MedGen C0020445, MONDO:0005439.

gnomAD v4.1: 1 of 1,609,402 alleles (0.000062%); no homozygotes.

Submission:

Color Diagnostics, LLC DBA Color Health
Classification: Uncertain significance for Familial hypercholesterolemia. Last evaluated: 2023-12-05. Review status: criteria provided, single submitter. Criteria: ACMG Guidelines, 2015. Collection method: clinical testing. Allele origin: germline.
Comment: Variant of Uncertain Significance due to insufficient evidence: This missense variant is located in the catalytic peptidase domain of the PCSK9 protein. Computational prediction tools and conservation analyses suggest that this variant may not impact the protein function. Computational splicing tools suggest that this variant may not impact RNA splicing. To our knowledge, functional assays have not been performed for this variant nor has this variant been reported in individuals affected with familial hypercholesterolemia in the literature. This variant is rare in the general population and has been identified in 0/277264 chromosomes by the Genome Aggregation Database (gnomAD). Available evidence is insufficient to determine the pathogenicity of this variant conclusively.

NM_174936.4(PCSK9):c.853G>A (p.Val285Met)

Gene: PCSK9 (proprotein convertase subtilisin/kexin type 9; plus strand). Cytogenetic location: 1p32.3.
Variant type: single nucleotide variant.
Coding change: c.853G>A on transcript NM_174936.4 (MANE Select); coding-DNA position 853, G replaced by A.
Protein change: p.Val285Met; replaces valine 285 with methionine.
Molecular consequence: missense variant.
Genome position (GRCh38, 1-based): chr1:55,056,046, G>A. VCF-style: chr1-55056046-G-A. GRCh37 (hg19) VCF-style: chr1-55521719-G-A.
Other names: c.976G>A, p.Val326Met (NM_001407240.1); c.853G>A, p.Val285Met (NM_001407241.1, NM_001407244.1, NM_001407247.1); c.856G>A, p.Val286Met (NM_001407242.1); c.796G>A, p.Val266Met (NM_001407243.1); c.661G>A, p.Val221Met (NM_001407245.1); c.478G>A, p.Val160Met (NM_001407246.1); short protein forms V285M, V160M, V221M, V266M, V286M, V326M.
Identifiers: ClinVar variation 923976 (VCV000923976.6), dbSNP rs1644711325, ClinGen allele CA340474484.